The following is an entry in ClinVar:

ClinVar aggregate classification (germline): Uncertain significance (1 of 4 stars; one submission).

Submission:

Ambry Genetics
Classification: Uncertain significance. Last evaluated: 2024-02-26. Review status: criteria provided, single submitter. Criteria: Ambry Variant Classification Scheme 2023. Collection method: clinical testing. Allele origin: germline.
Comment: The p.L1442I variant (also known as c.4324C>A), located in coding exon 39 of the KIF1B gene, results from a C to A substitution at nucleotide position 4324. The leucine at codon 1442 is replaced by isoleucine, an amino acid with highly similar properties. This amino acid position is conserved. In addition, this alteration is predicted to be deleterious by in silico analysis. Based on the available evidence, the clinical significance of this alteration remains unclear.

NM_001365951.3(KIF1B):c.4462C>A (p.Leu1488Ile)

Gene: KIF1B (kinesin family member 1B; plus strand). Cytogenetic location: 1p36.22.
Variant type: single nucleotide variant.
Coding change: c.4462C>A on transcript NM_001365951.3 (MANE Select); coding-DNA position 4462, C replaced by A.
Protein change: p.Leu1488Ile; replaces leucine 1488 with isoleucine.
Molecular consequence: missense variant.
Genome position (GRCh38, 1-based): chr1:10,365,195, C>A. VCF-style: chr1-10365195-C-A. GRCh37 (hg19) VCF-style: chr1-10425253-C-A.
Other names: c.4462C>A, p.Leu1488Ile (NM_001365952.1); c.4324C>A, p.Leu1442Ile (NM_015074.3); short protein forms L1442I, L1488I.
Identifiers: ClinVar variation 3226497 (VCV003226497.1), dbSNP rs2521911835, ClinGen allele CA338320871.